The following is an entry in ClinVar:

NM_000135.4(FANCA):c.2516C>G (p.Ala839Gly)

Gene: FANCA (FA complementation group A; minus strand). Cytogenetic location: 16q24.3.
Variant type: single nucleotide variant.
Coding change: c.2516C>G on transcript NM_000135.4 (MANE Select); coding-DNA position 2516, C replaced by G.
Protein change: p.Ala839Gly; replaces alanine 839 with glycine.
Molecular consequence: missense variant.
Genome position (GRCh38, 1-based): chr16:89,767,226, G>C on the plus strand (C>G on the coding strand, the complement: FANCA is on the minus strand). VCF-style: chr16-89767226-G-C. GRCh37 (hg19) VCF-style: chr16-89833634-G-C.
Other names: c.2516C>G, p.Ala839Gly (NM_001286167.3); short protein forms A839G.
Identifiers: ClinVar variation 2194600 (VCV002194600.2), dbSNP rs779690926, ClinGen allele CA397440867.

ClinVar aggregate classification (germline): Uncertain significance. Review status: criteria provided, multiple submitters, no conflicts (2 of 4 stars). 2 submissions from 2 submitters: Uncertain significance (2). Last evaluated 2024-12-07.

Conditions:
Fanconi anemia (FA). Also called: Fanconi's anemia. Identifiers: Orphanet 84, MedGen C0015625, MeSH D005199, MONDO:0019391.
Inborn genetic diseases. Identifiers: MedGen C0950123, MeSH D030342.

gnomAD v4.1: 5 of 1,611,408 alleles (0.00031%); highest among the groups gnomAD compares: East Asian, 0.011%; no homozygotes.

Submissions (2):

Ambry Genetics
Classification: Uncertain significance for Inborn genetic diseases. Last evaluated: 2024-12-07. Review status: criteria provided, single submitter. Criteria: Ambry Variant Classification Scheme 2023. Collection method: clinical testing. Allele origin: germline.
Comment: The p.A839G variant (also known as c.2516C>G), located in coding exon 27 of the FANCA gene, results from a C to G substitution at nucleotide position 2516. The alanine at codon 839 is replaced by glycine, an amino acid with similar properties. This amino acid position is conserved. In addition, the in silico prediction for this alteration is inconclusive. Based on the available evidence, the clinical significance of this variant remains unclear.

Labcorp Genetics (formerly Invitae), Labcorp
Classification: Uncertain significance for Fanconi anemia. Last evaluated: 2022-03-11. Review status: criteria provided, single submitter. Criteria: Invitae Variant Classification Sherloc (09022015). Collection method: clinical testing. Allele origin: germline.
Comment: This sequence change replaces alanine, which is neutral and non-polar, with glycine, which is neutral and non-polar, at codon 839 of the FANCA protein (p.Ala839Gly). This variant is present in population databases (no rsID available, gnomAD 0.006%). This variant has not been reported in the literature in individuals affected with FANCA-related conditions. Algorithms developed to predict the effect of missense changes on protein structure and function are either unavailable or do not agree on the potential impact of this missense change (SIFT: "Deleterious"; PolyPhen-2: "Benign"; Align-GVGD: "Class C0"). In summary, the available evidence is currently insufficient to determine the role of this variant in disease. Therefore, it has been classified as a Variant of Uncertain Significance.